The following is an entry in ClinVar:

ClinVar aggregate classification (germline): Uncertain significance. Review status: criteria provided, multiple submitters, no conflicts (2 of 4 stars). 2 submissions from 2 submitters: Uncertain significance (2). Last evaluated 2024-11-30.

Conditions:
Myofibrillar myopathy 5. Also called: Filaminopathy (type); FILAMINOPATHY, AUTOSOMAL DOMINANT. Identifiers: Orphanet 171445, MedGen C1836050, MONDO:0012289, OMIM 609524.
Distal myopathy with posterior leg and anterior hand involvement. Also called: WILLIAMS DISTAL MYOPATHY. Identifiers: Orphanet 63273, MedGen C3279722, MONDO:0013550, OMIM 614065.
Hypertrophic cardiomyopathy 26. Also called: Cardiomyopathy, familial hypertrophic, 26. Identifiers: Orphanet 75249, MedGen C4310749, MONDO:0014883, OMIM 617047.
Cardiovascular phenotype. Identifiers: MedGen CN230736.

Allele frequency attached by ClinVar (database versions not stated): gnomAD 0.00001; gnomAD exomes 0.00001; TOPMed 0.00001; ExAC 0.00002.
gnomAD v4.1: 9 of 1,613,688 alleles (0.00056%); highest among the groups gnomAD compares: African/African-American, 0.0013%; no homozygotes.

Submissions (2):

Labcorp Genetics (formerly Invitae), Labcorp
Classification: Uncertain significance for Distal myopathy with posterior leg and anterior hand involvement; Myofibrillar myopathy 5; Hypertrophic cardiomyopathy 26. Last evaluated: 2024-11-30. Review status: criteria provided, single submitter. Criteria: Invitae Variant Classification Sherloc (09022015). Collection method: clinical testing. Allele origin: germline.
Comment: This sequence change replaces threonine, which is neutral and polar, with arginine, which is basic and polar, at codon 1768 of the FLNC protein (p.Thr1768Arg). This variant is present in population databases (rs778860499, gnomAD 0.002%). This variant has not been reported in the literature in individuals affected with FLNC-related conditions. ClinVar contains an entry for this variant (Variation ID: 943920). An algorithm developed to predict the effect of missense changes on protein structure and function (PolyPhen-2) suggests that this variant is likely to be disruptive. In summary, the available evidence is currently insufficient to determine the role of this variant in disease. Therefore, it has been classified as a Variant of Uncertain Significance.

Ambry Genetics
Classification: Uncertain significance for Cardiovascular phenotype. Last evaluated: 2023-10-10. Review status: criteria provided, single submitter. Criteria: Ambry Variant Classification Scheme 2023. Collection method: clinical testing. Allele origin: germline.
Comment: The p.T1768R variant (also known as c.5303C>G), located in coding exon 32 of the FLNC gene, results from a C to G substitution at nucleotide position 5303. The threonine at codon 1768 is replaced by arginine, an amino acid with similar properties. This amino acid position is conserved. In addition, this alteration is predicted to be deleterious by in silico analysis. Since supporting evidence is limited at this time, the clinical significance of this alteration remains unclear.

NM_001458.5(FLNC):c.5303C>G (p.Thr1768Arg)

Genes: FLNC (filamin C; plus strand), FLNC-AS1 (FLNC antisense RNA 1; minus strand). Cytogenetic location: 7q32.1.
Variant type: single nucleotide variant.
Coding change: c.5303C>G on transcript NM_001458.5 (MANE Select); coding-DNA position 5303, C replaced by G.
Protein change: p.Thr1768Arg; replaces threonine 1768 with arginine.
Molecular consequence: missense variant. On other transcripts: non-coding transcript variant (1).
Genome position (GRCh38, 1-based): chr7:128,850,388, C>G. VCF-style: chr7-128850388-C-G. GRCh37 (hg19) VCF-style: chr7-128490442-C-G.
Other names: c.5204C>G, p.Thr1735Arg (NM_001127487.2); short protein forms T1735R, T1768R.
Identifiers: ClinVar variation 943920 (VCV000943920.4), dbSNP rs778860499, ClinGen allele CA4475652.